The following is an entry in ClinVar:

ClinVar aggregate classification (germline): Uncertain significance (1 of 4 stars; one submission).

Allele frequency attached by ClinVar (database versions not stated): gnomAD exomes below 0.00001 and 0.00001.
gnomAD v4.1: 19 of 1,611,350 alleles (0.0012%); highest among the groups gnomAD compares: Non-Finnish European, 0.0015%; no homozygotes.

Submission:

Labcorp Genetics (formerly Invitae), Labcorp
Classification: Uncertain significance. Last evaluated: 2025-09-14. Review status: criteria provided, single submitter. Criteria: Invitae Variant Classification Sherloc (09022015). Collection method: clinical testing. Allele origin: germline.
Comment: This sequence change replaces glycine, which is neutral and non-polar, with tryptophan, which is neutral and slightly polar, at codon 1018 of the SZT2 protein (p.Gly1018Trp). The frequency data for this variant in the population databases is considered unreliable, as metrics indicate poor data quality at this position in the gnomAD database. This variant has not been reported in the literature in individuals affected with SZT2-related conditions. ClinVar contains an entry for this variant (Variation ID: 1471195). Invitae Evidence Modeling of protein sequence and biophysical properties (such as structural, functional, and spatial information, amino acid conservation, physicochemical variation, residue mobility, and thermodynamic stability) indicates that this missense variant is not expected to disrupt SZT2 protein function with a negative predictive value of 80%. In summary, the available evidence is currently insufficient to determine the role of this variant in disease. Therefore, it has been classified as a Variant of Uncertain Significance.

NM_001365999.1(SZT2):c.3223G>T (p.Gly1075Trp)

Gene: SZT2 (SZT2 subunit of KICSTOR complex; plus strand). Cytogenetic location: 1p34.2.
Variant type: single nucleotide variant.
Coding change: c.3223G>T on transcript NM_001365999.1 (MANE Select); coding-DNA position 3223, G replaced by T.
Protein change: p.Gly1075Trp; replaces glycine 1075 with tryptophan.
Molecular consequence: missense variant.
Genome position (GRCh38, 1-based): chr1:43,426,723, G>T. VCF-style: chr1-43426723-G-T. GRCh37 (hg19) VCF-style: chr1-43892394-G-T.
Other names: c.3052G>T, p.Gly1018Trp (NM_015284.4); short protein forms G1075W, G1018W.
Identifiers: ClinVar variation 1471195 (VCV001471195.4), dbSNP rs1377990456, ClinGen allele CA340016493.